The following is an entry in ClinVar:

NM_000057.4(BLM):c.977A>T (p.Asp326Val)

Gene: BLM (BLM RecQ like helicase; plus strand). Cytogenetic location: 15q26.1.
Variant type: single nucleotide variant.
Coding change: c.977A>T on transcript NM_000057.4 (MANE Select); coding-DNA position 977, A replaced by T.
Protein change: p.Asp326Val; replaces aspartic acid 326 with valine.
Molecular consequence: missense variant. On other transcripts: 5 prime UTR variant (1).
Genome position (GRCh38, 1-based): chr15:90,754,828, A>T. VCF-style: chr15-90754828-A-T. GRCh37 (hg19) VCF-style: chr15-91298058-A-T.
Other names: c.977A>T, p.Asp326Val (NM_001287246.2, NM_001287247.2); c.-315A>T (NM_001287248.2); short protein forms D326V.
Identifiers: ClinVar variation 4622776 (VCV004622776.1).

ClinVar aggregate classification (germline): Uncertain significance (1 of 4 stars; one submission).

Conditions:
Hereditary cancer-predisposing syndrome. Also called: Neoplastic Syndromes, Hereditary; Tumor predisposition; Hereditary Cancer Syndrome; Hereditary neoplastic syndrome. Identifiers: Orphanet 140162, MedGen C0027672, MeSH D009386, MONDO:0015356.

Submission:

Ambry Genetics
Classification: Uncertain significance for Hereditary cancer-predisposing syndrome. Last evaluated: 2025-11-04. Review status: criteria provided, single submitter. Criteria: Ambry Variant Classification Scheme 2023. Collection method: clinical testing. Allele origin: germline.
Comment: The p.D326V variant (also known as c.977A>T), located in coding exon 4 of the BLM gene, results from an A to T substitution at nucleotide position 977. The aspartic acid at codon 326 is replaced by valine, an amino acid with highly dissimilar properties. This amino acid position is conserved. In addition, this alteration is predicted to be tolerated by in silico analysis. Based on the available evidence, the clinical significance of this variant remains unclear.